The following is an entry in ClinVar:

NM_133433.4(NIPBL):c.6655A>G (p.Ile2219Val)

Gene: NIPBL (NIPBL cohesin loading factor; plus strand). Cytogenetic location: 5p13.2.
Variant type: single nucleotide variant.
Coding change: c.6655A>G on transcript NM_133433.4 (MANE Select); coding-DNA position 6655, A replaced by G.
Protein change: p.Ile2219Val; replaces isoleucine 2219 with valine.
Molecular consequence: missense variant.
Genome position (GRCh38, 1-based): chr5:37,048,567, A>G. VCF-style: chr5-37048567-A-G. GRCh37 (hg19) VCF-style: chr5-37048669-A-G.
Other names: c.6655A>G, p.Ile2219Val (NM_001438586.1, NM_015384.5); short protein forms I2219V.
Identifiers: ClinVar variation 4534280 (VCV004534280.6).

ClinVar aggregate classification (germline): Uncertain significance (1 of 4 stars; one submission).

gnomAD v4.1: 1 of 1,590,730 alleles (0.000063%); highest among the groups gnomAD compares: Non-Finnish European, 0.000086%; no homozygotes.

Submission:

CeGaT Center for Human Genetics Tuebingen
Classification: Uncertain significance. Last evaluated: 2025-11-01. Review status: criteria provided, single submitter. Criteria: CeGaT Center For Human Genetics Tuebingen Variant Classification Criteria Version 2. Collection method: clinical testing. Allele origin: germline. Affected: yes. Observed: 1 variant allele.
Comment: NIPBL: PM5, PP2